The following is an entry in ClinVar:

ClinVar aggregate classification (germline): Benign/Likely benign. Review status: criteria provided, multiple submitters, no conflicts (2 of 4 stars). 5 submissions from 5 submitters: Benign (1); Likely benign (4). Last evaluated 2025-10-09.

Conditions:
Hereditary cancer-predisposing syndrome. Also called: Hereditary Cancer Syndrome; Neoplastic Syndromes, Hereditary; Hereditary neoplastic syndrome; Tumor predisposition. Identifiers: Orphanet 140162, MedGen C0027672, MeSH D009386, MONDO:0015356.
Tuberous sclerosis syndrome (TSC). Also called: Tuberous Sclerosis Complex; Tuberous sclerosis. Identifiers: Orphanet 805, MedGen C0041341, MONDO:0001734.
Tuberous sclerosis 1 (TSC1). Identifiers: Orphanet 805, MedGen C1854465, MONDO:0008612, OMIM 191100.

Allele frequency attached by ClinVar (database versions not stated): gnomAD exomes below 0.00001 and 0.00001; ExAC 0.00001; ESP Exome Variant Server 0.00008.

Submissions (5):

Labcorp Genetics (formerly Invitae), Labcorp
Classification: Likely benign for Tuberous sclerosis 1. Last evaluated: 2025-10-09. Review status: criteria provided, single submitter. Criteria: Invitae Variant Classification Sherloc (09022015). Collection method: clinical testing. Allele origin: germline.

Myriad Genetics, Inc.
Classification: Benign for Tuberous sclerosis 1. Last evaluated: 2025-04-29. Review status: criteria provided, single submitter. Criteria: Myriad Autosomal Dominant, Autosomal Recessive and X-Linked Classification Criteria (2023). Collection method: clinical testing. Allele origin: unknown.
Comment: This variant is considered benign. This variant is a silent/synonymous amino acid change and it is not expected to impact splicing.

All of Us Research Program, National Institutes of Health
Classification: Likely benign for Tuberous sclerosis syndrome. Last evaluated: 2024-07-29. Review status: criteria provided, single submitter. Criteria: ACMG Guidelines, 2015. Collection method: clinical testing. Allele origin: germline. Inheritance: Autosomal dominant inheritance. Observed: 1 variant allele, 1 heterozygote.
Comment: This study involves interpretation of variants in research participants for the purpose of population health screening. Participant phenotype was not available at the time of variant classification. Additional details can be found in publication PMID: 35346344, PMCID: PMC8962531

Color Diagnostics, LLC DBA Color Health
Classification: Likely benign for Tuberous sclerosis syndrome. Last evaluated: 2024-05-06. Review status: criteria provided, single submitter. Criteria: ACMG Guidelines, 2015. Collection method: clinical testing. Allele origin: germline.

Ambry Genetics
Classification: Likely benign for Hereditary cancer-predisposing syndrome. Last evaluated: 2019-07-16. Review status: criteria provided, single submitter. Criteria: Ambry Variant Classification Scheme 2023. Collection method: clinical testing. Allele origin: germline.

NM_000368.5(TSC1):c.2679C>T (p.Ser893=)

Gene: TSC1 (TSC complex subunit 1; minus strand). Cytogenetic location: 9q34.13.
Variant type: single nucleotide variant.
Coding change: c.2679C>T on transcript NM_000368.5 (MANE Select); coding-DNA position 2679, C replaced by T.
Protein change: p.Ser893=; no amino-acid change (serine 893 retained).
Molecular consequence: synonymous variant.
Genome position (GRCh38, 1-based): chr9:132,897,557, G>A on the plus strand (C>T on the coding strand, the complement: TSC1 is on the minus strand). VCF-style: chr9-132897557-G-A. GRCh37 (hg19) VCF-style: chr9-135772944-G-A.
Other names: c.2676C>T, p.Ser892= (NM_001162426.2); c.2526C>T, p.Ser842= (NM_001162427.2); c.2316C>T, p.Ser772= (NM_001362177.2).
Identifiers: ClinVar variation 1651453 (VCV001651453.13), dbSNP rs374311456, ClinGen allele CA034232.
Genomic context (GRCh38, chr9:132,897,557, plus strand): 5'-TTCCAGTTCCAAAATCCGTTTTTGGGAGGTATCAAGCCTCTGAGTCTGCTGGAGAACATG[G>A]CTTCTGTTTTTTTCTAGCTCTTTCCGATAGGCGGCTTTCATCATTTCTACTTCCTGAAAA-3'
Protein context (NP_000359.1, residues 883-903): AYRKELEKNR[Ser893=]HVLQQTQRLD